The following is an entry in ClinVar:

NM_177438.3(DICER1):c.164C>T (p.Ala55Val)

Gene: DICER1 (dicer 1, ribonuclease III; minus strand). Cytogenetic location: 14q32.13.
Variant type: single nucleotide variant.
Coding change: c.164C>T on transcript NM_177438.3 (MANE Select); coding-DNA position 164, C replaced by T.
Protein change: p.Ala55Val; replaces alanine 55 with valine.
Molecular consequence: missense variant. On other transcripts: 5 prime UTR variant (9), non-coding transcript variant (6).
Genome position (GRCh38, 1-based): chr14:95,132,658, G>A on the plus strand (C>T on the coding strand, the complement: DICER1 is on the minus strand). VCF-style: chr14-95132658-G-A. GRCh37 (hg19) VCF-style: chr14-95598995-G-A.
Other names: c.-111C>T (NM_001395689.1, NM_001395690.1, NM_001395696.1 and 4 more transcripts); c.-295C>T (NM_001395691.1); c.164C>T, p.Ala55Val (NM_001395692.1, NM_001395693.1, NM_001395694.1 and 14 more transcripts); c.-1405C>T (NM_001395697.1); short protein forms A55V.
Identifiers: ClinVar variation 4843076 (VCV004843076.1).

ClinVar aggregate classification (germline): Uncertain significance (1 of 4 stars; one submission).

Conditions:
Hereditary cancer-predisposing syndrome. Also called: Neoplastic Syndromes, Hereditary; Tumor predisposition; Hereditary Cancer Syndrome; Hereditary neoplastic syndrome. Identifiers: Orphanet 140162, MedGen C0027672, MeSH D009386, MONDO:0015356.

Submission:

Ambry Genetics
Classification: Uncertain significance for Hereditary cancer-predisposing syndrome. Last evaluated: 2025-12-26. Review status: criteria provided, single submitter. Criteria: Ambry Variant Classification Scheme 2023. Collection method: clinical testing. Allele origin: germline.
Comment: The p.A55V variant (also known as c.164C>T), located in coding exon 2 of the DICER1 gene, results from a C to T substitution at nucleotide position 164. The alanine at codon 55 is replaced by valine, an amino acid with similar properties. This amino acid position is conserved. In addition, this alteration is predicted to be deleterious by in silico analysis. Based on the available evidence, the clinical significance of this variant remains unclear.